The following is an entry in ClinVar:

ClinVar aggregate classification (germline): Conflicting classifications of pathogenicity. Review status: criteria provided, conflicting classifications (1 of 4 stars). 4 submissions from 4 submitters: Uncertain significance (2); Likely benign (1). 1 of the submissions does not count toward it. Last evaluated 2025-10-27.

Conditions:
Cardiovascular phenotype. Identifiers: MedGen CN230736.
Duchenne muscular dystrophy (DMD). Also called: Duchenne Muscular Dystrophy (DMD); MUSCULAR DYSTROPHY, PSEUDOHYPERTROPHIC PROGRESSIVE, DUCHENNE TYPE. Identifiers: Orphanet 98896, MedGen C0013264, MONDO:0010679, OMIM 310200.
Becker muscular dystrophy (BMD). Also called: Becker Muscular Dystrophy (BMD); MUSCULAR DYSTROPHY, PSEUDOHYPERTROPHIC PROGRESSIVE, BECKER TYPE. Identifiers: Orphanet 98895, MedGen C0917713, MONDO:0010311, OMIM 300376.
Dystrophin deficiency.
Cardiomyopathy (CMYO). Also called: Cardiomyopathies. Identifiers: Orphanet 167848, MedGen C0878544, MONDO:0004994, HP:0001638. Inheritance: Various modes of inheritance.

Allele frequency attached by ClinVar (database versions not stated): gnomAD exomes 0.00001; gnomAD 0.00002; TOPMed 0.00003.
gnomAD v4.1: 41 of 1,209,892 alleles (0.0034%); highest among the groups gnomAD compares: Non-Finnish European, 0.0045%; no homozygotes.

Submissions (4):

Labcorp Genetics (formerly Invitae), Labcorp
Classification: Likely benign for Duchenne muscular dystrophy. Last evaluated: 2025-10-27. Review status: criteria provided, single submitter. Criteria: Invitae Variant Classification Sherloc (09022015). Collection method: clinical testing. Allele origin: germline.

Ambry Genetics
Classification: Uncertain significance for Cardiovascular phenotype. Last evaluated: 2022-12-27. Review status: criteria provided, single submitter. Criteria: Ambry Variant Classification Scheme 2023. Collection method: clinical testing. Allele origin: germline.
Comment: The p.D652Y variant (also known as c.1954G>T), located in coding exon 16 of the DMD gene, results from a G to T substitution at nucleotide position 1954. The aspartic acid at codon 652 is replaced by tyrosine, an amino acid with highly dissimilar properties. Based on data from gnomAD, the T allele has an overall frequency of 0.0005% (1/183155) total alleles studied, with no hemizygotes observed. The highest observed frequency was 0.001% (1/81683) of European (non-Finnish) alleles. This amino acid position is well conserved in available vertebrate species. In addition, the in silico prediction for this alteration is inconclusive. Since supporting evidence is limited at this time, the clinical significance of this alteration remains unclear.

Blueprint Genetics
Classification: Uncertain significance. Last evaluated: 2021-11-12. Review status: criteria provided, single submitter. Criteria: ACMG Guidelines, 2015. Collection method: clinical testing. Allele origin: germline.

Natera, Inc.
Classification: Uncertain significance for Becker muscular dystrophy; Cardiomyopathy; Duchenne muscular dystrophy; Dystrophin deficiency. Last evaluated: 2018-06-11. Review status: no assertion criteria provided. Collection method: clinical testing. Allele origin: germline. Not counted in ClinVar's aggregate classification.

NM_004006.3(DMD):c.1954G>T (p.Asp652Tyr)

Gene: DMD (dystrophin; minus strand). Cytogenetic location: Xp21.1.
Variant type: single nucleotide variant.
Coding change: c.1954G>T on transcript NM_004006.3 (MANE Select); coding-DNA position 1954, G replaced by T.
Protein change: p.Asp652Tyr; replaces aspartic acid 652 with tyrosine.
Molecular consequence: missense variant.
Genome position (GRCh38, 1-based): chrX:32,565,740, C>A on the plus strand (G>T on the coding strand, the complement: DMD is on the minus strand). VCF-style: chrX-32565740-C-A. GRCh37 (hg19) VCF-style: chrX-32583857-C-A.
Other names: c.1930G>T, p.Asp644Tyr (NM_000109.4); c.1942G>T, p.Asp648Tyr (NM_004009.3); c.1585G>T, p.Asp529Tyr (NM_004010.3); short protein forms D648Y, D652Y, D529Y, D644Y.
Identifiers: ClinVar variation 848953 (VCV000848953.13), dbSNP rs1488881909, ClinGen allele CA412672359.